The following is an entry in ClinVar:

NM_001130144.3(LTBP3):c.1546T>C (p.Ser516Pro)

Gene: LTBP3 (latent transforming growth factor beta binding protein 3; minus strand). Cytogenetic location: 11q13.1.
Variant type: single nucleotide variant.
Coding change: c.1546T>C on transcript NM_001130144.3 (MANE Select); coding-DNA position 1546, T replaced by C.
Protein change: p.Ser516Pro; replaces serine 516 with proline.
Molecular consequence: missense variant.
Genome position (GRCh38, 1-based): chr11:65,551,550, A>G on the plus strand (T>C on the coding strand, the complement: LTBP3 is on the minus strand). VCF-style: chr11-65551550-A-G. GRCh37 (hg19) VCF-style: chr11-65319021-A-G.
Other names: c.1546T>C (NM_001130144.2); c.1195T>C, p.Ser399Pro (NM_001164266.1); c.1546T>C, p.Ser516Pro (NM_021070.4); short protein forms S399P, S516P.
Identifiers: ClinVar variation 1981857 (VCV001981857.6), dbSNP rs1442400330, ClinGen allele CA381272997.
Genomic context (GRCh38, chr11:65,551,550, plus strand): 5'-GCATGAGCCCTCCTGTCCCTCGCCTGCCCACCCCTCCCATCTGGGTTCTCATACTCACTG[A>G]GTCCGTGGTCACCCCTAAAAGGGAAGAAGATGGGGCCATGAAGTGTTGGGGCGGGAGAAG-3'
Protein context (NP_001123616.1, residues 506-526): TEEERGVTTD[Ser516Pro]PVSEERSVQQ

ClinVar aggregate classification (germline): Uncertain significance. Review status: criteria provided, multiple submitters, no conflicts (2 of 4 stars). 2 submissions from 2 submitters: Uncertain significance (2). Last evaluated 2024-09-23.

Conditions:
Inborn genetic diseases. Identifiers: MedGen C0950123, MeSH D030342.
Brachyolmia-amelogenesis imperfecta syndrome. Also called: PLATYSPONDYLY WITH AMELOGENESIS IMPERFECTA; Tooth agenesis, selective, 6; Dental anomalies and short stature. Identifiers: Orphanet 2899, MedGen C1832594, MONDO:0011018, OMIM 601216. Disease mechanism: loss of function.

Allele frequency attached by ClinVar (database versions not stated): TOPMed below 0.00001; gnomAD exomes 0.00001.
gnomAD v4.1: 16 of 1,613,926 alleles (0.00099%); highest among the groups gnomAD compares: Non-Finnish European, 0.0012%; no homozygotes.

Submissions (2):

Labcorp Genetics (formerly Invitae), Labcorp
Classification: Uncertain significance for Brachyolmia-amelogenesis imperfecta syndrome. Last evaluated: 2024-09-23. Review status: criteria provided, single submitter. Criteria: Invitae Variant Classification Sherloc (09022015). Collection method: clinical testing. Allele origin: germline.
Comment: This sequence change replaces serine, which is neutral and polar, with proline, which is neutral and non-polar, at codon 516 of the LTBP3 protein (p.Ser516Pro). This variant is present in population databases (no rsID available, gnomAD 0.0009%). This variant has not been reported in the literature in individuals affected with LTBP3-related conditions. ClinVar contains an entry for this variant (Variation ID: 1981857). An algorithm developed to predict the effect of missense changes on protein structure and function outputs the following: PolyPhen-2: "Benign". The proline amino acid residue is found in multiple mammalian species, which suggests that this missense change does not adversely affect protein function. In summary, the available evidence is currently insufficient to determine the role of this variant in disease. Therefore, it has been classified as a Variant of Uncertain Significance.

Ambry Genetics
Classification: Uncertain significance for Inborn genetic diseases. Last evaluated: 2023-03-26. Review status: criteria provided, single submitter. Criteria: Ambry Variant Classification Scheme 2023. Collection method: clinical testing. Allele origin: germline.
Comment: The p.S516P variant (also known as c.1546T>C), located in coding exon 9 of the LTBP3 gene, results from a T to C substitution at nucleotide position 1546. The serine at codon 516 is replaced by proline, an amino acid with similar properties. This amino acid position is conserved. In addition, this alteration is predicted to be tolerated by in silico analysis. Since supporting evidence is limited at this time, the clinical significance of this alteration remains unclear.